The following is an entry in ClinVar:

NM_001012759.3(CTU2):c.22T>A (p.Tyr8Asn)

Gene: CTU2 (cytosolic thiouridylase subunit 2; plus strand). Cytogenetic location: 16q24.3.
Variant type: single nucleotide variant.
Coding change: c.22T>A on transcript NM_001012759.3 (MANE Select); coding-DNA position 22, T replaced by A.
Protein change: p.Tyr8Asn; replaces tyrosine 8 with asparagine.
Molecular consequence: missense variant. On other transcripts: 5 prime UTR variant (1).
Genome position (GRCh38, 1-based): chr16:88,706,552, T>A. VCF-style: chr16-88706552-T-A. GRCh37 (hg19) VCF-style: chr16-88772960-T-A.
Other names: c.22T>A, p.Tyr8Asn (NM_001012762.3, NM_001318507.2); c.-161T>A (NM_001318513.2); short protein forms Y8N.
Identifiers: ClinVar variation 2190088 (VCV002190088.4), dbSNP rs1471557333, ClinGen allele CA397054990.

ClinVar aggregate classification (germline): Uncertain significance (1 of 4 stars; one submission).

Allele frequency attached by ClinVar (database versions not stated): gnomAD 0.00001; TOPMed 0.00002.
gnomAD v4.1: 3 of 1,459,230 alleles (0.00021%); highest among the groups gnomAD compares: Admixed American, 0.0078%; no homozygotes.

Submission:

Labcorp Genetics (formerly Invitae), Labcorp
Classification: Uncertain significance. Last evaluated: 2022-07-19. Review status: criteria provided, single submitter. Criteria: Invitae Variant Classification Sherloc (09022015). Collection method: clinical testing. Allele origin: germline.
Comment: This sequence change replaces tyrosine, which is neutral and polar, with asparagine, which is neutral and polar, at codon 8 of the CTU2 protein (p.Tyr8Asn). This variant has not been reported in the literature in individuals affected with CTU2-related conditions. In summary, the available evidence is currently insufficient to determine the role of this variant in disease. Therefore, it has been classified as a Variant of Uncertain Significance. Algorithms developed to predict the effect of missense changes on protein structure and function are either unavailable or do not agree on the potential impact of this missense change (SIFT: "Not Available"; PolyPhen-2: "Probably Damaging"; Align-GVGD: "Not Available"). This variant is present in population databases (no rsID available, gnomAD 0.1%).